The following is an entry in ClinVar:

ClinVar aggregate classification (germline): Uncertain significance (1 of 4 stars; one submission).

Conditions:
Glycogen storage disease type III (GSD3). Also called: Cori disease; FORBES DISEASE. Identifiers: Orphanet 366, MedGen C0017922, MONDO:0009291, OMIM 232400.

Allele frequency attached by ClinVar (database versions not stated): gnomAD exomes below 0.00001; TOPMed below 0.00001; gnomAD 0.00001.

Submission:

Labcorp Genetics (formerly Invitae), Labcorp
Classification: Uncertain significance for Glycogen storage disease type III. Last evaluated: 2022-05-21. Review status: criteria provided, single submitter. Criteria: Invitae Variant Classification Sherloc (09022015). Collection method: clinical testing. Allele origin: germline.
Comment: This sequence change replaces methionine, which is neutral and non-polar, with valine, which is neutral and non-polar, at codon 1385 of the AGL protein (p.Met1385Val). This variant is not present in population databases (gnomAD no frequency). This variant has not been reported in the literature in individuals affected with AGL-related conditions. Algorithms developed to predict the effect of missense changes on protein structure and function are either unavailable or do not agree on the potential impact of this missense change (SIFT: "Deleterious"; PolyPhen-2: "Possibly Damaging"; Align-GVGD: "Class C0"). In summary, the available evidence is currently insufficient to determine the role of this variant in disease. Therefore, it has been classified as a Variant of Uncertain Significance.

NM_000642.3(AGL):c.4153A>G (p.Met1385Val)

Gene: AGL (amylo-alpha-1,6-glucosidase and 4-alpha-glucanotransferase; plus strand). Cytogenetic location: 1p21.2.
Variant type: single nucleotide variant.
Coding change: c.4153A>G on transcript NM_000642.3 (MANE Select); coding-DNA position 4153, A replaced by G.
Protein change: p.Met1385Val; replaces methionine 1385 with valine.
Molecular consequence: missense variant.
Genome position (GRCh38, 1-based): chr1:99,913,730, A>G. VCF-style: chr1-99913730-A-G. GRCh37 (hg19) VCF-style: chr1-100379286-A-G.
Other names: c.4153A>G, p.Met1385Val (NM_000028.3, NM_000643.3, NM_000644.3 and 1 more transcripts); c.4105A>G, p.Met1369Val (NM_000646.3); c.4132A>G, p.Met1378Val (NM_001425326.1); c.3952A>G, p.Met1318Val (NM_001425327.1); c.3949A>G, p.Met1317Val (NM_001425328.1); c.3814A>G, p.Met1272Val (NM_001425329.1); c.3775A>G, p.Met1259Val (NM_001425332.1); short protein forms M1369V, M1385V, M1259V, M1272V, M1317V, M1318V, M1378V.
Identifiers: ClinVar variation 2148429 (VCV002148429.1), dbSNP rs1365796726, ClinGen allele CA341340649.